The following is an entry in ClinVar:

NM_020457.3(THAP11):c.523C>G (p.Pro175Ala)

Genes: CENPT (centromere protein T; minus strand), THAP11 (THAP domain containing 11; plus strand). Cytogenetic location: 16q22.1.
Variant type: single nucleotide variant.
Coding change: c.523C>G on transcript NM_020457.3 (MANE Select); coding-DNA position 523, C replaced by G.
Protein change: p.Pro175Ala; replaces proline 175 with alanine.
Molecular consequence: missense variant. On other transcripts: intron variant (1).
Genome position (GRCh38, 1-based): chr16:67,843,077, C>G. VCF-style: chr16-67843077-C-G. GRCh37 (hg19) VCF-style: chr16-67876980-C-G.
Other names: c.-492+4324G>C (NM_025082.4); short protein forms P175A.
Identifiers: ClinVar variation 1498954 (VCV001498954.6), dbSNP rs139987005, ClinGen allele CA8118299.

ClinVar aggregate classification (germline): Uncertain significance (1 of 4 stars; one submission).

Allele frequency attached by ClinVar (database versions not stated): 1000 Genomes Project 0.00020; ESP Exome Variant Server 0.00046; 1000 Genomes Project 30x 0.00047; gnomAD exomes 0.00057; ExAC 0.00059; TOPMed 0.00067; gnomAD 0.00083 and 0.00085.
gnomAD v4.1: 1,135 of 1,611,480 alleles (0.07%); highest among the groups gnomAD compares: Middle Eastern, 0.083%; 3 homozygotes.

Submission:

Labcorp Genetics (formerly Invitae), Labcorp
Classification: Uncertain significance. Last evaluated: 2026-01-12. Review status: criteria provided, single submitter. Criteria: Invitae Variant Classification Sherloc (09022015). Collection method: clinical testing. Allele origin: germline.
Comment: This sequence change replaces proline, which is neutral and non-polar, with alanine, which is neutral and non-polar, at codon 175 of the THAP11 protein (p.Pro175Ala). This variant is present in population databases (rs139987005, gnomAD 0.1%), and has an allele count higher than expected for a pathogenic variant. This variant has not been reported in the literature in individuals affected with THAP11-related conditions. ClinVar contains an entry for this variant (Variation ID: 1498954). Invitae Evidence Modeling of protein sequence and biophysical properties (such as structural, functional, and spatial information, amino acid conservation, physicochemical variation, residue mobility, and thermodynamic stability) indicates that this missense variant is not expected to disrupt THAP11 protein function with a negative predictive value of 80%. In summary, the available evidence is currently insufficient to determine the role of this variant in disease. Therefore, it has been classified as a Variant of Uncertain Significance.